The following is an entry in ClinVar:

ClinVar aggregate classification (germline): Uncertain significance. Review status: criteria provided, multiple submitters, no conflicts (2 of 4 stars). 2 submissions from 2 submitters: Uncertain significance (2). Last evaluated 2026-09-04.

Conditions:
DNMT1-related disorder. Also called: DNMT1-related condition. Identifiers: MedGen CN381527.
Hereditary sensory neuropathy-deafness-dementia syndrome. Also called: Hereditary Sensory and Autonomic Neuropathy Type 1E (HSAN1E); HSN IE; Hereditary sensory neuropathy type IE; NEUROPATHY, HEREDITARY SENSORY, WITH HEARING LOSS AND DEMENTIA. Identifiers: Orphanet 456318, MedGen C3279885, MONDO:0013584, OMIM 614116.

Allele frequency attached by ClinVar (database versions not stated): gnomAD exomes below 0.00001 and 0.00001; gnomAD 0.00001.
gnomAD v4.1: 4 of 1,613,914 alleles (0.00025%); highest among the groups gnomAD compares: Middle Eastern, 0.017%; no homozygotes.

Submissions (2):

PreventionGenetics, part of Exact Sciences
Classification: Uncertain significance for DNMT1-related condition. Last evaluated: 2026-09-04. Review status: criteria provided, single submitter. Criteria: ACMG Guidelines, 2015. Collection method: clinical testing. Allele origin: germline.
Comment: The DNMT1 c.3694G>A variant is predicted to result in the amino acid substitution p.Asp1232Asn. To our knowledge, this variant has not been reported in the literature. This variant is reported in 1 allele out of 250690 alleles in gnomAD. At this time, the clinical significance of this variant is uncertain due to the absence of conclusive functional and genetic evidence.

Labcorp Genetics (formerly Invitae), Labcorp
Classification: Uncertain significance for Hereditary sensory neuropathy-deafness-dementia syndrome. Last evaluated: 2024-11-04. Review status: criteria provided, single submitter. Criteria: Invitae Variant Classification Sherloc (09022015). Collection method: clinical testing. Allele origin: germline.
Comment: This sequence change replaces aspartic acid, which is acidic and polar, with asparagine, which is neutral and polar, at codon 1232 of the DNMT1 protein (p.Asp1232Asn). This variant is present in population databases (no rsID available, gnomAD no frequency). This variant has not been reported in the literature in individuals affected with DNMT1-related conditions. ClinVar contains an entry for this variant (Variation ID: 843193). Invitae Evidence Modeling of protein sequence and biophysical properties (such as structural, functional, and spatial information, amino acid conservation, physicochemical variation, residue mobility, and thermodynamic stability) has been performed for this missense variant. However, the output from this modeling did not meet the statistical confidence thresholds required to predict the impact of this variant on DNMT1 protein function. In summary, the available evidence is currently insufficient to determine the role of this variant in disease. Therefore, it has been classified as a Variant of Uncertain Significance.

NM_001130823.3(DNMT1):c.3694G>A (p.Asp1232Asn)

Gene: DNMT1 (DNA methyltransferase 1; minus strand). Cytogenetic location: 19p13.2.
Variant type: single nucleotide variant.
Coding change: c.3694G>A on transcript NM_001130823.3 (MANE Select); coding-DNA position 3694, G replaced by A.
Protein change: p.Asp1232Asn; replaces aspartic acid 1232 with asparagine.
Molecular consequence: missense variant.
Genome position (GRCh38, 1-based): chr19:10,140,158, C>T on the plus strand (G>A on the coding strand, the complement: DNMT1 is on the minus strand). VCF-style: chr19-10140158-C-T. GRCh37 (hg19) VCF-style: chr19-10250834-C-T.
Other names: c.3646G>A, p.Asp1216Asn (NM_001318730.2, NM_001379.4); c.3331G>A, p.Asp1111Asn (NM_001318731.2); c.3694G>A (NM_001130823.2); short protein forms D1232N, D1111N, D1216N.
Identifiers: ClinVar variation 843193 (VCV000843193.10), dbSNP rs1353293786, ClinGen allele CA403972929.
Genomic context (GRCh38, chr19:10,140,158, plus strand): 5'-TGAAGCGGTTCATGCCGCTGAAGCCCTGGCAGGGCGGCCCGCCGCACAGCATCTCCACGT[C>T]TCCCTTCTGGGGCAGCCGCTGGCCGCGGGAGTTGGTGGTCTCCCCAGCCATGACCAGCTT-3'
Protein context (NP_001124295.1, residues 1222-1242): SRGQRLPQKG[Asp1232Asn]VEMLCGGPPC